The following is an entry in ClinVar:

ClinVar aggregate classification (germline): Likely benign (0 of 4 stars; one submission).

Conditions:
TCTN1-related disorder. Also called: TCTN1-related condition.

Allele frequency attached by ClinVar (database versions not stated): gnomAD exomes below 0.00001; gnomAD 0.00001; ExAC 0.00002; TOPMed 0.00002.

Submission:

PreventionGenetics, part of Exact Sciences
Classification: Likely benign for TCTN1-related condition. Last evaluated: 2022-10-05. Review status: no assertion criteria provided. Collection method: clinical testing. Allele origin: germline.
Comment: This variant is classified as likely benign based on ACMG/AMP sequence variant interpretation guidelines (Richards et al. 2015 PMID: 25741868, with internal and published modifications).

NM_001082538.3(TCTN1):c.483A>T (p.Ala161=)

Gene: TCTN1 (tectonic family member 1; plus strand). Cytogenetic location: 12q24.11.
Variant type: single nucleotide variant.
Coding change: c.483A>T on transcript NM_001082538.3 (MANE Select); coding-DNA position 483, A replaced by T.
Protein change: p.Ala161=; no amino-acid change (alanine 161 retained).
Molecular consequence: synonymous variant. On other transcripts: 5 prime UTR variant (1), non-coding transcript variant (1).
Genome position (GRCh38, 1-based): chr12:110,628,777, A>T. VCF-style: chr12-110628777-A-T. GRCh37 (hg19) VCF-style: chr12-111066582-A-T.
Other names: c.483A>T, p.Ala161= (NM_001082537.3, NM_001319680.2, NM_024549.6); c.315A>T, p.Ala105= (NM_001173975.3, NM_001319682.3); c.303A>T, p.Ala101= (NM_001173976.2); c.-52A>T (NM_001319681.2).
Identifiers: ClinVar variation 3045586 (VCV003045586.2), dbSNP rs753193763, ClinGen allele CA6786602.